The following is an entry in ClinVar:

NM_001330691.3(CEP78):c.613A>G (p.Met205Val)

Gene: CEP78 (centrosomal protein 78; plus strand). Cytogenetic location: 9q21.2.
Variant type: single nucleotide variant.
Coding change: c.613A>G on transcript NM_001330691.3 (MANE Select); coding-DNA position 613, A replaced by G.
Protein change: p.Met205Val; replaces methionine 205 with valine.
Molecular consequence: missense variant.
Genome position (GRCh38, 1-based): chr9:78,243,471, A>G. VCF-style: chr9-78243471-A-G. GRCh37 (hg19) VCF-style: chr9-80858387-A-G.
Other names: p.Met205Val; c.613A>G, p.Met205Val (NM_001098802.3, NM_001330693.3, NM_001330694.2 and 4 more transcripts); c.613A>G (NM_001098802.2); short protein forms M205V.
Identifiers: ClinVar variation 841687 (VCV000841687.7), dbSNP rs199972008, ClinGen allele CA5094984.

ClinVar aggregate classification (germline): Uncertain significance. Review status: criteria provided, multiple submitters, no conflicts (2 of 4 stars). 3 submissions from 3 submitters: Uncertain significance (3). Last evaluated 2024-01-04.

Conditions:
Inborn genetic diseases. Identifiers: MedGen C0950123, MeSH D030342.

Allele frequency attached by ClinVar (database versions not stated): ExAC 0.00002; gnomAD exomes 0.00002; TOPMed 0.00005; gnomAD 0.00006 and 0.00007; 1000 Genomes Project 30x 0.00016; 1000 Genomes Project 0.00020.
gnomAD v4.1: 50 of 1,612,700 alleles (0.0031%); highest among the groups gnomAD compares: Admixed American, 0.03%; no homozygotes.

Submissions (3):

Ambry Genetics
Classification: Uncertain significance for Inborn genetic diseases. Last evaluated: 2024-01-04. Review status: criteria provided, single submitter. Criteria: Ambry Variant Classification Scheme 2023. Collection method: clinical testing. Allele origin: germline.

Labcorp Genetics (formerly Invitae), Labcorp
Classification: Uncertain significance. Last evaluated: 2022-09-06. Review status: criteria provided, single submitter. Criteria: Invitae Variant Classification Sherloc (09022015). Collection method: clinical testing. Allele origin: germline.
Comment: This sequence change replaces methionine, which is neutral and non-polar, with valine, which is neutral and non-polar, at codon 205 of the CEP78 protein (p.Met205Val). This variant is present in population databases (rs199972008, gnomAD 0.009%). This variant has not been reported in the literature in individuals affected with CEP78-related conditions. ClinVar contains an entry for this variant (Variation ID: 841687). Algorithms developed to predict the effect of missense changes on protein structure and function (SIFT, PolyPhen-2, Align-GVGD) all suggest that this variant is likely to be tolerated. Algorithms developed to predict the effect of sequence changes on RNA splicing suggest that this variant may create or strengthen a splice site. In summary, the available evidence is currently insufficient to determine the role of this variant in disease. Therefore, it has been classified as a Variant of Uncertain Significance.

Mayo Clinic Laboratories, Mayo Clinic
Classification: Uncertain significance. Last evaluated: 2022-03-22. Review status: criteria provided, single submitter. Criteria: ACMG Guidelines, 2015. Collection method: clinical testing. Allele origin: germline. Observed: 1 variant allele.
Comment: BP4, PM2